The following is an entry in ClinVar:

ClinVar aggregate classification (germline): Uncertain significance (1 of 4 stars; one submission).

Submission:

Ambry Genetics
Classification: Uncertain significance. Last evaluated: 2022-10-17. Review status: criteria provided, single submitter. Criteria: Ambry Variant Classification Scheme 2023. Collection method: clinical testing. Allele origin: germline.
Comment: The p.R93K variant (also known as c.278G>A), located in coding exon 1 of the TERF2IP gene, results from a G to A substitution at nucleotide position 278. The arginine at codon 93 is replaced by lysine, an amino acid with highly similar properties. This amino acid position is conserved. In addition, this alteration is predicted to be tolerated by in silico analysis. Since supporting evidence is limited at this time, the clinical significance of this alteration remains unclear.

NM_018975.4(TERF2IP):c.278G>A (p.Arg93Lys)

Gene: TERF2IP (TERF2 interacting protein; plus strand). Cytogenetic location: 16q23.1.
Variant type: single nucleotide variant.
Coding change: c.278G>A on transcript NM_018975.4 (MANE Select); coding-DNA position 278, G replaced by A.
Protein change: p.Arg93Lys; replaces arginine 93 with lysine.
Molecular consequence: missense variant. On other transcripts: non-coding transcript variant (1).
Genome position (GRCh38, 1-based): chr16:75,648,160, G>A. VCF-style: chr16-75648160-G-A. GRCh37 (hg19) VCF-style: chr16-75682058-G-A.
Other names: short protein forms R93K.
Identifiers: ClinVar variation 1796023 (VCV001796023.2), dbSNP rs2507073338, ClinGen allele CA396817584.